The following is an entry in ClinVar:

ClinVar aggregate classification (germline): Uncertain significance (1 of 4 stars; one submission).

Allele frequency attached by ClinVar (database versions not stated): gnomAD exomes below 0.00001.
gnomAD v4.1: 1 of 1,614,218 alleles (0.000062%); highest among the groups gnomAD compares: Non-Finnish European, 0.000085%; no homozygotes.

Submission:

Ambry Genetics
Classification: Uncertain significance. Last evaluated: 2022-11-17. Review status: criteria provided, single submitter. Criteria: Ambry Variant Classification Scheme 2023. Collection method: clinical testing. Allele origin: germline.
Comment: The p.R2053S variant (also known as c.6159A>C), located in coding exon 10 of the ALPK2 gene, results from an A to C substitution at nucleotide position 6159. The arginine at codon 2053 is replaced by serine, an amino acid with dissimilar properties. This amino acid position is conserved. In addition, the in silico prediction for this alteration is inconclusive. Since supporting evidence is limited at this time, the clinical significance of this alteration remains unclear.

NM_052947.4(ALPK2):c.6159A>C (p.Arg2053Ser)

Gene: ALPK2 (alpha kinase 2; minus strand). Cytogenetic location: 18q21.31.
Variant type: single nucleotide variant.
Coding change: c.6159A>C on transcript NM_052947.4 (MANE Select); coding-DNA position 6159, A replaced by C.
Protein change: p.Arg2053Ser; replaces arginine 2053 with serine.
Molecular consequence: missense variant.
Genome position (GRCh38, 1-based): chr18:58,504,019, T>G on the plus strand (A>C on the coding strand, the complement: ALPK2 is on the minus strand). VCF-style: chr18-58504019-T-G. GRCh37 (hg19) VCF-style: chr18-56171251-T-G.
Other names: short protein forms R2053S.
Identifiers: ClinVar variation 2497271 (VCV002497271.2), dbSNP rs530898856, ClinGen allele CA402543588.
Genomic context (GRCh38, chr18:58,504,019, plus strand): 5'-ACTTGTTTTCTGGTACACCCAGTGCTGGAAGGTGCAACATTTCTGACCAGCTTCTGATTC[T>G]CTTCTCAAGAAGTTTATTTCTTTCCCATCCCTGATGGAATACTTCACAAATTCTCCAATC-3'
Protein context (NP_443179.3, residues 2043-2063): RDGKEINFLR[Arg2053Ser]ESEAGQKCCT